The following is an entry in ClinVar:

NM_000268.4(NF2):c.260C>T (p.Ser87Leu)

Gene: NF2 (NF2, moesin-ezrin-radixin like (MERLIN) tumor suppressor; plus strand). Cytogenetic location: 22q12.2.
Variant type: single nucleotide variant.
Coding change: c.260C>T on transcript NM_000268.4 (MANE Select); coding-DNA position 260, C replaced by T.
Protein change: p.Ser87Leu; replaces serine 87 with leucine.
Molecular consequence: missense variant. On other transcripts: 5 prime UTR variant (1), intron variant (8).
Genome position (GRCh38, 1-based): chr22:29,639,109, C>T. VCF-style: chr22-29639109-C-T. GRCh37 (hg19) VCF-style: chr22-30035098-C-T.
Other names: c.146C>T, p.Ser49Leu (NM_001407053.1, NM_001407056.1); c.134C>T, p.Ser45Leu (NM_001407055.1, NM_181828.3); c.260C>T, p.Ser87Leu (NM_001407057.1, NM_001407059.1, NM_001407060.1 and 5 more transcripts); c.-381C>T (NM_001407065.1); c.29C>T, p.Ser10Leu (NM_001407067.1); c.240+2233C>T (NM_001407058.1, NM_181829.3, NM_001407054.1 and 1 more transcripts); c.115-3093C>T (NM_001407063.1, NM_181830.3, NM_001407064.1 and 1 more transcripts); short protein forms S10L, S45L, S49L, S87L.
Identifiers: ClinVar variation 4861009 (VCV004861009.1).

ClinVar aggregate classification (germline): Uncertain significance (1 of 4 stars; one submission).

Conditions:
Hereditary cancer-predisposing syndrome. Also called: Neoplastic Syndromes, Hereditary; Tumor predisposition; Hereditary Cancer Syndrome; Hereditary neoplastic syndrome. Identifiers: Orphanet 140162, MedGen C0027672, MeSH D009386, MONDO:0015356.

Submission:

Ambry Genetics
Classification: Uncertain significance for Hereditary cancer-predisposing syndrome. Last evaluated: 2026-06-01. Review status: criteria provided, single submitter. Criteria: Ambry Variant Classification Scheme 2023. Collection method: clinical testing. Allele origin: germline.
Comment: The p.S87L variant (also known as c.260C>T), located in coding exon 3 of the NF2 gene, results from a C to T substitution at nucleotide position 260. The serine at codon 87 is replaced by leucine, an amino acid with dissimilar properties. This amino acid position is conserved. In addition, the in silico prediction for this alteration is inconclusive. Based on the available evidence, the clinical significance of this variant remains unclear.